The following is an entry in ClinVar:

ClinVar aggregate classification (germline): Uncertain significance. Review status: criteria provided, multiple submitters, no conflicts (2 of 4 stars). 2 submissions from 2 submitters: Uncertain significance (2). Last evaluated 2024-04-09.

Conditions:
Inborn genetic diseases. Identifiers: MedGen C0950123, MeSH D030342.

Allele frequency attached by ClinVar (database versions not stated): ExAC 0.00001; gnomAD 0.00002; gnomAD exomes 0.00002; TOPMed 0.00002; ESP Exome Variant Server 0.00008.
gnomAD v4.1: 37 of 1,614,044 alleles (0.0023%); highest among the groups gnomAD compares: Non-Finnish European, 0.0029%; no homozygotes.

Submissions (2):

Labcorp Genetics (formerly Invitae), Labcorp
Classification: Uncertain significance. Last evaluated: 2024-04-09. Review status: criteria provided, single submitter. Criteria: Invitae Variant Classification Sherloc (09022015). Collection method: clinical testing. Allele origin: germline.
Comment: This sequence change replaces threonine, which is neutral and polar, with methionine, which is neutral and non-polar, at codon 500 of the SPTB protein (p.Thr500Met). This variant is present in population databases (rs371029401, gnomAD 0.004%). This variant has not been reported in the literature in individuals affected with SPTB-related conditions. ClinVar contains an entry for this variant (Variation ID: 2555546). Algorithms developed to predict the effect of missense changes on protein structure and function output the following: SIFT: "Not Available"; PolyPhen-2: "Benign"; Align-GVGD: "Not Available". The methionine amino acid residue is found in multiple mammalian species, which suggests that this missense change does not adversely affect protein function. In summary, the available evidence is currently insufficient to determine the role of this variant in disease. Therefore, it has been classified as a Variant of Uncertain Significance.

Ambry Genetics
Classification: Uncertain significance for Inborn genetic diseases. Last evaluated: 2023-06-02. Review status: criteria provided, single submitter. Criteria: Ambry Variant Classification Scheme 2023. Collection method: clinical testing. Allele origin: germline.

NM_001355436.2(SPTB):c.1499C>T (p.Thr500Met)

Gene: SPTB (spectrin beta, erythrocytic; minus strand). Cytogenetic location: 14q23.3.
Variant type: single nucleotide variant.
Coding change: c.1499C>T on transcript NM_001355436.2 (MANE Select); coding-DNA position 1499, C replaced by T.
Protein change: p.Thr500Met; replaces threonine 500 with methionine.
Molecular consequence: missense variant.
Genome position (GRCh38, 1-based): chr14:64,795,482, G>A on the plus strand (C>T on the coding strand, the complement: SPTB is on the minus strand). VCF-style: chr14-64795482-G-A. GRCh37 (hg19) VCF-style: chr14-65262200-G-A.
Other names: NM_000347.5:c.1499C>T; c.1499C>T, p.Thr500Met (NM_001024858.4, NM_001355437.2); short protein forms T500M.
Identifiers: ClinVar variation 2555546 (VCV002555546.4), dbSNP rs371029401, ClinGen allele CA7231099.